The following is an entry in ClinVar:

GRCh37/hg19 7q32.1(chr7:128412321-128546131)x1

Genes: ATP6V1F (ATPase H+ transporting V1 subunit F; plus strand), CALU (calumenin; plus strand), CCDC136 (coiled-coil domain containing 136; plus strand), FLNC (filamin C; plus strand), KCP (kielin cysteine rich BMP regulator; minus strand) and 1 more. Cytogenetic location: 7q32.1.
Variant type: copy number loss.
Change: copy number 1 (one copy instead of two) of chr7:128,412,321-128,546,131 (133.8 kb, GRCh37 coordinates, 1-based), cytogenetic band 7q32.1.
Identifiers: ClinVar variation 688715 (VCV000688715.3).

ClinVar aggregate classification (germline): no classifications from unflagged records (0 of 4 stars; one submission).

Submission:

Bionano Laboratories
Classification: Uncertain significance. Last evaluated: 2017-10-23. Review status: flagged submission. Collection method: clinical testing. Allele origin: unknown.
ClinVar note: Notes: This submission was flagged because its interpretation of this variant conflicts with the ClinGen Gene Dosage Map curation for the gene FLNC.
ClinVar note: Reason: Conflict with ClinGen Gene Dosage Map